The following is an entry in ClinVar:

NM_000219.6(KCNE1):c.51G>A (p.Trp17Ter)

Gene: KCNE1 (potassium voltage-gated channel subfamily E regulatory subunit 1; minus strand). Cytogenetic location: 21q22.12.
Variant type: single nucleotide variant.
Coding change: c.51G>A on transcript NM_000219.6 (MANE Select); coding-DNA position 51, G replaced by A.
Protein change: p.Trp17Ter; replaces tryptophan 17 with a stop codon.
Molecular consequence: nonsense.
Genome position (GRCh38, 1-based): chr21:34,449,584, C>T on the plus strand (G>A on the coding strand, the complement: KCNE1 is on the minus strand). VCF-style: chr21-34449584-C-T. GRCh37 (hg19) VCF-style: chr21-35821882-C-T.
Other names: c.51G>A, p.Trp17Ter (NM_001127668.4, NM_001127669.4, NM_001127670.4 and 4 more transcripts); short protein forms W17*.
Identifiers: ClinVar variation 547164 (VCV000547164.9), dbSNP rs1244688796, ClinGen allele CA410198579.

ClinVar aggregate classification (germline): Pathogenic. Review status: criteria provided, multiple submitters, no conflicts (2 of 4 stars). 3 submissions from 3 submitters: Pathogenic (2). 1 of the submissions does not count toward it. Last evaluated 2024-12-20.

Conditions:
Sensorineural hearing loss disorder. Also called: Sensorineural hearing impairment; Sensorineural Deafness; Sensorineural hearing loss. Identifiers: MedGen C0018784, MeSH D006319, MONDO:0020678, HP:0000407.
Long QT syndrome (LQTS). Identifiers: MedGen C0023976, MeSH D008133, MONDO:0002442. Disease mechanism: loss of function. Inheritance: Various modes of inheritance.
Jervell and Lange-Nielsen syndrome 2 (JLNS2). Identifiers: Orphanet 768, Orphanet 90647, MedGen C2676723, MONDO:0012871, OMIM 612347.

Allele frequency attached by ClinVar (database versions not stated): gnomAD exomes below 0.00001.

Submissions (4):

Laboratory of Dr. Barbara Vona, University Medical Center Göttingen
Classification: Pathogenic for Sensorineural hearing loss disorder. Last evaluated: 2024-12-20. Review status: criteria provided, single submitter. Criteria: ClinGen HL ACMG Specifications v1. Collection method: clinical testing. Allele origin: germline. Affected: yes.

Labcorp Genetics (formerly Invitae), Labcorp
Classification: Pathogenic for Long QT syndrome. Last evaluated: 2021-10-28. Review status: criteria provided, single submitter. Criteria: Invitae Variant Classification Sherloc (09022015). Collection method: clinical testing. Allele origin: germline.
Comment: For these reasons, this variant has been classified as Pathogenic. This variant disrupts a region of the KCNE1 protein in which other variant(s) (p.Arg98Trp) have been determined to be pathogenic (PMID: 10973849, 16922724, 17341399, 21070882, 30530868, 32058015). This suggests that this is a clinically significant region of the protein, and that variants that disrupt it are likely to be disease-causing. ClinVar contains an entry for this variant (Variation ID: 547164). This premature translational stop signal has been observed in individual(s) with nonsyndromic deafness or long QT syndrome (PMID: 19716085, 30461122, 31941373). This variant is present in population databases (no rsID available, gnomAD 0.0009%). This sequence change creates a premature translational stop signal (p.Trp17*) in the KCNE1 gene. While this is not anticipated to result in nonsense mediated decay, it is expected to disrupt the last 113 amino acid(s) of the KCNE1 protein.

National Institute on Deafness and Communication Disorders, National Institutes of Health
Classification: Pathogenic for Jervell and Lange-Nielsen syndrome 2. Last evaluated: 2018-06-21. Review status: no assertion criteria provided. Collection method: research. Allele origin: germline. Affected: yes. Observed: 1 homozygote. Segregation with disease observed. Not counted in ClinVar's aggregate classification.

Roden Lab, Vanderbilt University Medical Center
No classification provided (evidence only). Condition: Long QT syndrome 5. Review status: no classification provided. Collection method: in vitro. Allele origin: not applicable. Functional consequence: Effect on ion channel function. Not counted in ClinVar's aggregate classification.
ClinVar note: "not provided" was previously submitted as the classification for the variant. However, the classification appeared to be based only on an observation of functional data so it was converted to no classification on 2025-07-30.

Literature cited by the submitters: PubMed 40377830 (cited by Laboratory of Dr. Barbara Vona, University Medical Center Göttingen); PubMed 10973849 (cited by Labcorp Genetics (formerly Invitae), Labcorp); PubMed 16922724 (cited by Labcorp Genetics (formerly Invitae), Labcorp); PubMed 17341399 (cited by Labcorp Genetics (formerly Invitae), Labcorp); PubMed 21070882 (cited by Labcorp Genetics (formerly Invitae), Labcorp); PubMed 30530868 (cited by Labcorp Genetics (formerly Invitae), Labcorp); PubMed 32058015 (cited by Labcorp Genetics (formerly Invitae), Labcorp); PubMed 19716085 (cited by Labcorp Genetics (formerly Invitae), Labcorp); PubMed 30461122 (cited by Labcorp Genetics (formerly Invitae), Labcorp); PubMed 31941373 (cited by Labcorp Genetics (formerly Invitae), Labcorp).